The following is an entry in ClinVar:

NM_006904.7(PRKDC):c.5678A>G (p.Glu1893Gly)

Gene: PRKDC (protein kinase, DNA-activated, catalytic subunit; minus strand). Cytogenetic location: 8q11.21.
Variant type: single nucleotide variant.
Coding change: c.5678A>G on transcript NM_006904.7 (MANE Select); coding-DNA position 5678, A replaced by G.
Protein change: p.Glu1893Gly; replaces glutamic acid 1893 with glycine.
Molecular consequence: missense variant.
Genome position (GRCh38, 1-based): chr8:47,863,471, T>C on the plus strand (A>G on the coding strand, the complement: PRKDC is on the minus strand). VCF-style: chr8-47863471-T-C. GRCh37 (hg19) VCF-style: chr8-48776032-T-C.
Other names: c.5678A>G, p.Glu1893Gly (NM_001081640.2); short protein forms E1893G.
Identifiers: ClinVar variation 3225874 (VCV003225874.1), dbSNP rs2551870842, ClinGen allele CA371163015.

ClinVar aggregate classification (germline): Uncertain significance (1 of 4 stars; one submission).

Submission:

Ambry Genetics
Classification: Uncertain significance. Last evaluated: 2024-01-30. Review status: criteria provided, single submitter. Criteria: Ambry Variant Classification Scheme 2023. Collection method: clinical testing. Allele origin: germline.
Comment: The p.E1893G variant (also known as c.5678A>G), located in coding exon 42 of the PRKDC gene, results from an A to G substitution at nucleotide position 5678. The glutamic acid at codon 1893 is replaced by glycine, an amino acid with similar properties. This amino acid position is conserved. Based on the available evidence, the clinical significance of this alteration remains unclear.